The following is an entry in ClinVar:

ClinVar aggregate classification (germline): Uncertain significance (1 of 4 stars; one submission).

Conditions:
Early-infantile DEE. Also called: Early infantile epileptic encephalopathy; Ohtahara syndrome; Early infantile epileptic encephalopathy with suppression bursts. Identifiers: Orphanet 1934, MedGen C0393706, MONDO:0800491.

Submission:

Labcorp Genetics (formerly Invitae), Labcorp
Classification: Uncertain significance for Early-infantile DEE. Last evaluated: 2024-05-15. Review status: criteria provided, single submitter. Criteria: Invitae Variant Classification Sherloc (09022015). Collection method: clinical testing. Allele origin: germline.
Comment: This sequence change falls in intron 20 of the SCN1A gene. It does not directly change the encoded amino acid sequence of the SCN1A protein. However, this sequence change falls within a region encompassing a cryptic exon in the SCN1A gene, in which variants have been shown to alter splicing (PMID: 30526861, 34107977). This variant is not present in population databases (gnomAD no frequency). This variant has not been reported in the literature in individuals affected with SCN1A-related conditions. ClinVar contains an entry for this variant (Variation ID: 2120514). Algorithms developed to predict the effect of sequence changes on RNA splicing suggest that this variant is not likely to affect RNA splicing. In summary, the available evidence is currently insufficient to determine the role of this variant in disease. Therefore, it has been classified as a Variant of Uncertain Significance.

Literature cited by the submitters: PubMed 30526861; PubMed 34107977.

NM_001165963.4(SCN1A):c.4002+2119A>G

Genes: SCN1A (sodium voltage-gated channel alpha subunit 1; minus strand), LOC102724058 (uncharacterized LOC102724058; plus strand). Cytogenetic location: 2q24.3.
Variant type: single nucleotide variant.
Coding change: c.4002+2119A>G on transcript NM_001165963.4 (MANE Select); 2119 bases into the intron after coding-DNA position 4002, A replaced by G.
Molecular consequence: intron variant.
Genome position (GRCh38, 1-based): chr2:166,007,600, T>C on the plus strand (A>G on the coding strand, the complement: SCN1A is on the minus strand). VCF-style: chr2-166007600-T-C. GRCh37 (hg19) VCF-style: chr2-166864110-T-C.
Other names: c.3969+2119A>G (NM_001353949.2, NM_001353950.2, NM_001353951.2 and 2 more transcripts); c.3918+2119A>G (NM_001353958.2, NM_001353957.2, NM_001165964.3); c.4002+2119A>G (NM_001202435.3, NM_001353948.2); c.3966+2119A>G (NM_001353955.2, NM_001353954.2); c.3915+2119A>G (NM_001353960.2); c.1560+2119A>G (NM_001353961.2).
Identifiers: ClinVar variation 2120514 (VCV002120514.4), dbSNP rs2468474150, ClinGen allele CA2580064282.